The following is an entry in ClinVar:

NM_015509.4(NECAP1):c.10G>A (p.Glu4Lys)

Genes: NECAP1 (NECAP endocytosis associated 1; plus strand), LOC126861440 (MED14-independent group 3 enhancer GRCh37_chr12:8234132-8235331; plus strand). Cytogenetic location: 12p13.31.
Variant type: single nucleotide variant.
Coding change: c.10G>A on transcript NM_015509.4 (MANE Select); coding-DNA position 10, G replaced by A.
Protein change: p.Glu4Lys; replaces glutamic acid 4 with lysine.
Molecular consequence: missense variant. On other transcripts: non-coding transcript variant (1).
Genome position (GRCh38, 1-based): chr12:8,082,298, G>A. VCF-style: chr12-8082298-G-A. GRCh37 (hg19) VCF-style: chr12-8234894-G-A.
Other names: short protein forms E4K.
Identifiers: ClinVar variation 541850 (VCV000541850.8), dbSNP rs1555168520, ClinGen allele CA383795288.

ClinVar aggregate classification (germline): Uncertain significance (1 of 4 stars; one submission).

Conditions:
Developmental and epileptic encephalopathy, 21 (DEE21). Also called: Early infantile epileptic encephalopathy 21. Identifiers: Orphanet 442835, MedGen C4014430, MONDO:0014360, OMIM 615833.

Submission:

Labcorp Genetics (formerly Invitae), Labcorp
Classification: Uncertain significance for Developmental and epileptic encephalopathy, 21. Last evaluated: 2017-12-21. Review status: criteria provided, single submitter. Criteria: Invitae Variant Classification Sherloc (09022015). Collection method: clinical testing. Allele origin: germline.
Comment: In summary, the available evidence is currently insufficient to determine the role of this variant in disease. Therefore, it has been classified as a Variant of Uncertain Significance. Algorithms developed to predict the effect of missense changes on protein structure and function (SIFT, PolyPhen-2, Align-GVGD) all suggest that this variant is likely to be tolerated, but these predictions have not been confirmed by published functional studies and their clinical significance is uncertain. This variant has not been reported in the literature in individuals with NECAP1-related disease. This variant is not present in population databases (ExAC no frequency). This sequence change replaces glutamic acid with lysine at codon 4 of the NECAP1 protein (p.Glu4Lys). The glutamic acid residue is moderately conserved and there is a small physicochemical difference between glutamic acid and lysine.